The following is an entry in ClinVar:

ClinVar aggregate classification (germline): Uncertain significance (1 of 4 stars; one submission).

Conditions:
Brugada syndrome. Also called: Sudden unexpected nocturnal death syndrome; Sudden Unexplained Death Syndrome; Sudden Unexplained Nocturnal Death Syndrome (SUNDS); Sudden unexplained nocturnal death syndrome. Identifiers: Orphanet 130, MedGen C1142166, MONDO:0015263.

Submission:

Labcorp Genetics (formerly Invitae), Labcorp
Classification: Uncertain significance for Brugada syndrome. Last evaluated: 2019-05-25. Review status: criteria provided, single submitter. Criteria: Invitae Variant Classification Sherloc (09022015). Collection method: clinical testing. Allele origin: germline.
Comment: This sequence change replaces methionine with valine at codon 1384 of the SCN10A protein (p.Met1384Val). The methionine residue is weakly conserved and there is a small physicochemical difference between methionine and valine. This variant is not present in population databases (ExAC no frequency). This variant has not been reported in the literature in individuals with SCN10A-related disease. Algorithms developed to predict the effect of missense changes on protein structure and function (SIFT, PolyPhen-2, Align-GVGD) all suggest that this variant is likely to be tolerated, but these predictions have not been confirmed by published functional studies and their clinical significance is uncertain. In summary, the available evidence is currently insufficient to determine the role of this variant in disease. Therefore, it has been classified as a Variant of Uncertain Significance.

NM_006514.4(SCN10A):c.4150A>G (p.Met1384Val)

Gene: SCN10A (sodium voltage-gated channel alpha subunit 10; minus strand). Cytogenetic location: 3p22.2.
Variant type: single nucleotide variant.
Coding change: c.4150A>G on transcript NM_006514.4 (MANE Select); coding-DNA position 4150, A replaced by G.
Protein change: p.Met1384Val; replaces methionine 1384 with valine.
Molecular consequence: missense variant.
Genome position (GRCh38, 1-based): chr3:38,709,609, T>C on the plus strand (A>G on the coding strand, the complement: SCN10A is on the minus strand). VCF-style: chr3-38709609-T-C. GRCh37 (hg19) VCF-style: chr3-38751100-T-C.
Other names: c.4147A>G, p.Met1383Val (NM_001293306.2); c.3856A>G, p.Met1286Val (NM_001293307.2); short protein forms M1384V, M1286V, M1383V.
Identifiers: ClinVar variation 581820 (VCV000581820.7), dbSNP rs1559414230, ClinGen allele CA352149999.